The following is an entry in ClinVar:

ClinVar aggregate classification (germline): Conflicting classifications of pathogenicity. Review status: criteria provided, conflicting classifications (1 of 4 stars). 2 submissions from 2 submitters: Uncertain significance (1); Likely benign (1). Last evaluated 2024-11-19.

Conditions:
Inborn genetic diseases. Identifiers: MedGen C0950123, MeSH D030342.

Allele frequency attached by ClinVar (database versions not stated): gnomAD exomes 0.00001; ExAC 0.00008; ESP Exome Variant Server 0.00015; gnomAD 0.00015; TOPMed 0.00016; 1000 Genomes Project 30x 0.00047; 1000 Genomes Project 0.00060.
gnomAD v4.1: 40 of 1,613,820 alleles (0.0025%); highest among the groups gnomAD compares: African/African-American, 0.048%; no homozygotes.

Submissions (2):

Labcorp Genetics (formerly Invitae), Labcorp
Classification: Uncertain significance. Last evaluated: 2024-11-19. Review status: criteria provided, single submitter. Criteria: Invitae Variant Classification Sherloc (09022015). Collection method: clinical testing. Allele origin: germline.
Comment: This sequence change replaces serine, which is neutral and polar, with asparagine, which is neutral and polar, at codon 253 of the CNOT1 protein (p.Ser253Asn). This variant is present in population databases (rs139302890, gnomAD 0.06%), and has an allele count higher than expected for a pathogenic variant. This variant has not been reported in the literature in individuals affected with CNOT1-related conditions. ClinVar contains an entry for this variant (Variation ID: 2212655). An algorithm developed to predict the effect of missense changes on protein structure and function (PolyPhen-2) suggests that this variant is likely to be tolerated. In summary, the available evidence is currently insufficient to determine the role of this variant in disease. Therefore, it has been classified as a Variant of Uncertain Significance.

Ambry Genetics
Classification: Likely benign for Inborn genetic diseases. Last evaluated: 2021-12-13. Review status: criteria provided, single submitter. Criteria: Ambry Variant Classification Scheme 2023. Collection method: clinical testing. Allele origin: germline.

NM_016284.5(CNOT1):c.758G>A (p.Ser253Asn)

Gene: CNOT1 (CCR4-NOT transcription complex subunit 1; minus strand). Cytogenetic location: 16q21.
Variant type: single nucleotide variant.
Coding change: c.758G>A on transcript NM_016284.5 (MANE Select); coding-DNA position 758, G replaced by A.
Protein change: p.Ser253Asn; replaces serine 253 with asparagine.
Molecular consequence: missense variant. On other transcripts: non-coding transcript variant (1).
Genome position (GRCh38, 1-based): chr16:58,585,386, C>T on the plus strand (G>A on the coding strand, the complement: CNOT1 is on the minus strand). VCF-style: chr16-58585386-C-T. GRCh37 (hg19) VCF-style: chr16-58619290-C-T.
Other names: c.758G>A, p.Ser253Asn (NM_001265612.2, NM_206999.3); short protein forms S253N.
Identifiers: ClinVar variation 2212655 (VCV002212655.4), dbSNP rs139302890, ClinGen allele CA8090083.